The following is an entry in ClinVar:

ClinVar aggregate classification (germline): Uncertain significance (1 of 4 stars; one submission).

Allele frequency attached by ClinVar (database versions not stated): gnomAD exomes below 0.00001; gnomAD 0.00001; TOPMed 0.00001.
gnomAD v4.1: 4 of 1,614,074 alleles (0.00025%); highest among the groups gnomAD compares: African/African-American, 0.0013%; no homozygotes.

Submission:

Labcorp Genetics (formerly Invitae), Labcorp
Classification: Uncertain significance. Last evaluated: 2023-08-04. Review status: criteria provided, single submitter. Criteria: Invitae Variant Classification Sherloc (09022015). Collection method: clinical testing. Allele origin: germline.
Comment: ClinVar contains an entry for this variant (Variation ID: 2121888). This variant has not been reported in the literature in individuals affected with ASXL1-related conditions. This variant is present in population databases (no rsID available, gnomAD 0.0009%). This sequence change replaces alanine, which is neutral and non-polar, with valine, which is neutral and non-polar, at codon 1016 of the ASXL1 protein (p.Ala1016Val). Algorithms developed to predict the effect of missense changes on protein structure and function output the following: SIFT: "Not Available"; PolyPhen-2: "Benign"; Align-GVGD: "Not Available". The valine amino acid residue is found in multiple mammalian species, which suggests that this missense change does not adversely affect protein function. In summary, the available evidence is currently insufficient to determine the role of this variant in disease. Therefore, it has been classified as a Variant of Uncertain Significance.

NM_015338.6(ASXL1):c.3047C>T (p.Ala1016Val)

Gene: ASXL1 (ASXL transcriptional regulator 1; plus strand). Cytogenetic location: 20q11.21.
Variant type: single nucleotide variant.
Coding change: c.3047C>T on transcript NM_015338.6 (MANE Select); coding-DNA position 3047, C replaced by T.
Protein change: p.Ala1016Val; replaces alanine 1016 with valine.
Molecular consequence: missense variant.
Genome position (GRCh38, 1-based): chr20:32,435,759, C>T. VCF-style: chr20-32435759-C-T. GRCh37 (hg19) VCF-style: chr20-31023562-C-T.
Other names: c.2864C>T, p.Ala955Val (NM_001363734.1); short protein forms A955V, A1016V.
Identifiers: ClinVar variation 2121888 (VCV002121888.4), dbSNP rs1470848941, ClinGen allele CA408562243.